The following is an entry in ClinVar:

NM_000232.5(SGCB):c.261G>A (p.Trp87Ter)

Gene: SGCB (sarcoglycan beta; minus strand). Cytogenetic location: 4q12.
Variant type: single nucleotide variant.
Coding change: c.261G>A on transcript NM_000232.5 (MANE Select); coding-DNA position 261, G replaced by A.
Protein change: p.Trp87Ter; replaces tryptophan 87 with a stop codon.
Molecular consequence: nonsense.
Genome position (GRCh38, 1-based): chr4:52,029,846, C>T on the plus strand (G>A on the coding strand, the complement: SGCB is on the minus strand). VCF-style: chr4-52029846-C-T. GRCh37 (hg19) VCF-style: chr4-52896012-C-T.
Other names: short protein forms W87*.
Identifiers: ClinVar variation 1076257 (VCV001076257.7), dbSNP rs2109372060, ClinGen allele CA356877530.

ClinVar aggregate classification (germline): Pathogenic (1 of 4 stars; one submission).

Conditions:
Autosomal recessive limb-girdle muscular dystrophy type 2E (LGMDR4). Also called: MUSCULAR DYSTROPHY, LIMB-GIRDLE, AUTOSOMAL RECESSIVE 4. Identifiers: Orphanet 119, MedGen C1858593, MONDO:0011423, OMIM 604286. Disease mechanism: Affects gamma-sarcoglycan and also disrupts the integrity of the entire sarcoglycan complex..

gnomAD v4.1: 1 of 1,613,504 alleles (0.000062%); highest among the groups gnomAD compares: Non-Finnish European, 0.000085%; no homozygotes.

Submission:

Labcorp Genetics (formerly Invitae), Labcorp
Classification: Pathogenic for Autosomal recessive limb-girdle muscular dystrophy type 2E. Last evaluated: 2024-01-12. Review status: criteria provided, single submitter. Criteria: Invitae Variant Classification Sherloc (09022015). Collection method: clinical testing. Allele origin: germline.
Comment: This sequence change creates a premature translational stop signal (p.Trp87*) in the SGCB gene. It is expected to result in an absent or disrupted protein product. Loss-of-function variants in SGCB are known to be pathogenic (PMID: 15938573, 18285821). This variant is not present in population databases (gnomAD no frequency). This variant has not been reported in the literature in individuals affected with SGCB-related conditions. ClinVar contains an entry for this variant (Variation ID: 1076257). For these reasons, this variant has been classified as Pathogenic.

Literature cited by the submitters: PubMed 15938573; PubMed 18285821.